The following is an entry in ClinVar:

ClinVar aggregate classification (germline): Uncertain significance (1 of 4 stars; one submission).

Conditions:
Mitochondrial complex V (ATP synthase) deficiency, nuclear type 2. Also called: Nuclear-Encoded ATPase Deficiency, TMEM70-Related; ENCEPHALOCARDIOMYOPATHY, MITOCHONDRIAL, NEONATAL, DUE TO ATP SYNTHASE DEFICIENCY; MITOCHONDRIAL COMPLEX V (ATP SYNTHASE) DEFICIENCY, TMEM70 TYPE. Identifiers: Orphanet 1194, MedGen C3279699, MONDO:0013546, OMIM 614052.

Allele frequency attached by ClinVar (database versions not stated): gnomAD 0.00001; TOPMed 0.00001.
gnomAD v4.1: 17 of 1,547,512 alleles (0.0011%); highest among the groups gnomAD compares: Non-Finnish European, 0.0014%; no homozygotes.

Submission:

Labcorp Genetics (formerly Invitae), Labcorp
Classification: Uncertain significance for Mitochondrial complex V (ATP synthase) deficiency, nuclear type 2. Last evaluated: 2022-08-12. Review status: criteria provided, single submitter. Criteria: Invitae Variant Classification Sherloc (09022015). Collection method: clinical testing. Allele origin: germline.
Comment: In summary, the available evidence is currently insufficient to determine the role of this variant in disease. Therefore, it has been classified as a Variant of Uncertain Significance. Algorithms developed to predict the effect of missense changes on protein structure and function output the following: SIFT: "Tolerated"; PolyPhen-2: "Benign"; Align-GVGD: "Class C0". The serine amino acid residue is found in multiple mammalian species, which suggests that this missense change does not adversely affect protein function. This variant has not been reported in the literature in individuals affected with TMEM70-related conditions. The frequency data for this variant in the population databases is considered unreliable, as metrics indicate poor data quality at this position in the gnomAD database. This sequence change replaces arginine, which is basic and polar, with serine, which is neutral and polar, at codon 61 of the TMEM70 protein (p.Arg61Ser).

NM_017866.6(TMEM70):c.181C>A (p.Arg61Ser)

Gene: TMEM70 (transmembrane protein 70; plus strand). Cytogenetic location: 8q21.11.
Variant type: single nucleotide variant.
Coding change: c.181C>A on transcript NM_017866.6 (MANE Select); coding-DNA position 181, C replaced by A.
Protein change: p.Arg61Ser; replaces arginine 61 with serine.
Molecular consequence: missense variant. On other transcripts: non-coding transcript variant (1).
Genome position (GRCh38, 1-based): chr8:73,976,462, C>A. VCF-style: chr8-73976462-C-A. GRCh37 (hg19) VCF-style: chr8-74888697-C-A.
Other names: c.181C>A, p.Arg61Ser (NM_001040613.3); short protein forms R61S.
Identifiers: ClinVar variation 2415619 (VCV002415619.4), dbSNP rs1305749565, ClinGen allele CA371489414.